The following is an entry in ClinVar:

ClinVar aggregate classification (germline): Uncertain significance. Review status: criteria provided, multiple submitters, no conflicts (2 of 4 stars). 3 submissions from 2 submitters: Uncertain significance (3). Last evaluated 2020-10-01.

Conditions:
Achromatopsia 3 (ACHM3). Also called: ACHROMATOPSIA WITH MYOPIA; PINGELAPESE BLINDNESS; TOTAL COLORBLINDNESS WITH MYOPIA; ROD MONOCHROMACY 1; ROD MONOCHROMATISM 1. Identifiers: Orphanet 49382, MedGen C1849792, MONDO:0009875, OMIM 262300.
Severe early-childhood-onset retinal dystrophy (STGD1). Also called: Stargardt macular dystrophy; Juvenile onset macular degeneration; Stargardt disease 1; MACULAR DYSTROPHY WITH FLECKS, TYPE 1; STGD. Identifiers: Orphanet 364055, Orphanet 827, MedGen C1855465, MeSH D000080362, MONDO:0009549, OMIM 248200.

Allele frequency attached by ClinVar (database versions not stated): gnomAD 0.00001; gnomAD exomes below 0.00001.
gnomAD v4.1: 3 of 1,605,616 alleles (0.00019%); highest among the groups gnomAD compares: Non-Finnish European, 0.00025%; no homozygotes.

Submissions (3):

Labcorp Genetics (formerly Invitae), Labcorp
Classification: Uncertain significance. Last evaluated: 2020-10-01. Review status: criteria provided, single submitter. Criteria: Invitae Variant Classification Sherloc (09022015). Collection method: clinical testing. Allele origin: germline.
Comment: This variant is not present in population databases (ExAC no frequency). In summary, the available evidence is currently insufficient to determine the role of this variant in disease. Therefore, it has been classified as a Variant of Uncertain Significance. Algorithms developed to predict the effect of missense changes on protein structure and function output the following: SIFT: "Tolerated"; PolyPhen-2: "Benign"; Align-GVGD: "Class C0". The asparagine amino acid residue is found in multiple mammalian species, suggesting that this missense change does not adversely affect protein function. These predictions have not been confirmed by published functional studies and their clinical significance is uncertain. This variant has not been reported in the literature in individuals with CNGB3-related conditions. This sequence change replaces lysine with asparagine at codon 56 of the CNGB3 protein (p.Lys56Asn). The lysine residue is moderately conserved and there is a moderate physicochemical difference between lysine and asparagine.

Illumina Laboratory Services, Illumina
Classification: Uncertain significance for Achromatopsia 3. Last evaluated: 2018-01-12. Review status: criteria provided, single submitter. Criteria: ICSL Variant Classification Criteria 13 December 2019. Collection method: clinical testing. Allele origin: germline.

Illumina Laboratory Services, Illumina
Classification: Uncertain significance for Severe early-childhood-onset retinal dystrophy. Last evaluated: 2018-01-12. Review status: criteria provided, single submitter. Criteria: ICSL Variant Classification Criteria 13 December 2019. Collection method: clinical testing. Allele origin: germline.

NM_019098.5(CNGB3):c.168G>C (p.Lys56Asn)

Gene: CNGB3 (cyclic nucleotide gated channel subunit beta 3; minus strand). Cytogenetic location: 8q21.3.
Variant type: single nucleotide variant.
Coding change: c.168G>C on transcript NM_019098.5 (MANE Select); coding-DNA position 168, G replaced by C.
Protein change: p.Lys56Asn; replaces lysine 56 with asparagine.
Molecular consequence: missense variant.
Genome position (GRCh38, 1-based): chr8:86,739,698, C>G on the plus strand (G>C on the coding strand, the complement: CNGB3 is on the minus strand). VCF-style: chr8-86739698-C-G. GRCh37 (hg19) VCF-style: chr8-87751926-C-G.
Other names: short protein forms K56N.
Identifiers: ClinVar variation 853162 (VCV000853162.13), dbSNP rs1410218983, ClinGen allele CA371456727.